The following is an entry in ClinVar:

NM_031448.6(C19orf12):c.-11+199G>A

Genes: C19orf12 (chromosome 19 open reading frame 12; minus strand), LOC130064129 (ATAC-STARR-seq lymphoblastoid silent region 10465; plus strand). Cytogenetic location: 19q12.
Variant type: single nucleotide variant.
Coding change: c.-11+199G>A on transcript NM_031448.6 (MANE Select); 199 bases into the intron after 11 bases upstream of the start codon, G replaced by A.
Molecular consequence: intron variant. On other transcripts: 5 prime UTR variant (2).
Genome position (GRCh38, 1-based): chr19:29,714,926, C>T on the plus strand (G>A on the coding strand, the complement: C19orf12 is on the minus strand). VCF-style: chr19-29714926-C-T. GRCh37 (hg19) VCF-style: chr19-30205833-C-T.
Other names: c.-30G>A (NM_001031726.4); c.-52G>A (NM_001282929.1); c.-11+637G>A (NM_001256047.2); c.-33+199G>A (NM_001282930.3); c.-11+199G>A (NM_001256046.3); c.-324+199G>A (NM_001282931.3).
Identifiers: ClinVar variation 2900599 (VCV002900599.3), dbSNP rs2513320337, ClinGen allele CA405148102.

ClinVar aggregate classification (germline): Uncertain significance (1 of 4 stars; one submission).

Conditions:
Hereditary spastic paraplegia 43. Also called: Spastic paraplegia 43, autosomal recessive. Identifiers: Orphanet 320370, MedGen C2680446, MONDO:0014024, OMIM 615043.

Submission:

Labcorp Genetics (formerly Invitae), Labcorp
Classification: Uncertain significance for Hereditary spastic paraplegia 43. Last evaluated: 2024-09-06. Review status: criteria provided, single submitter. Criteria: Invitae Variant Classification Sherloc (09022015). Collection method: clinical testing. Allele origin: germline.
Comment: This sequence change replaces glutamic acid, which is acidic and polar, with lysine, which is basic and polar, at codon 2 of the C19orf12 protein (p.Glu2Lys). This variant is not present in population databases (gnomAD no frequency). This variant has not been reported in the literature in individuals affected with C19orf12-related conditions. An algorithm developed to predict the effect of missense changes on protein structure and function (PolyPhen-2) suggests that this variant is likely to be tolerated. In summary, the available evidence is currently insufficient to determine the role of this variant in disease. Therefore, it has been classified as a Variant of Uncertain Significance.